The following is an entry in ClinVar:

NM_001005373.4(LRSAM1):c.2131C>T (p.Gln711Ter)

Gene: LRSAM1 (leucine rich repeat and sterile alpha motif containing 1; plus strand). Cytogenetic location: 9q34.11.
Variant type: single nucleotide variant.
Coding change: c.2131C>T on transcript NM_001005373.4 (MANE Select); coding-DNA position 2131, C replaced by T.
Protein change: p.Gln711Ter; replaces glutamine 711 with a stop codon.
Molecular consequence: nonsense. On other transcripts: non-coding transcript variant (2).
Genome position (GRCh38, 1-based): chr9:127,502,858, C>T. VCF-style: chr9-127502858-C-T. GRCh37 (hg19) VCF-style: chr9-130265137-C-T.
Other names: c.2131C>T, p.Gln711Ter (NM_001005374.4, NM_001384142.1, NM_138361.5); c.2050C>T, p.Gln684Ter (NM_001190723.3); c.2032C>T, p.Gln678Ter (NM_001384143.1); c.1342C>T, p.Gln448Ter (NM_001384144.1); short protein forms Q678*, Q684*, Q448*, Q711*.
Identifiers: ClinVar variation 2840223 (VCV002840223.3), dbSNP rs780492552, ClinGen allele CA374939640.

ClinVar aggregate classification (germline): Likely pathogenic (1 of 4 stars; one submission).

Conditions:
Charcot-Marie-Tooth disease axonal type 2P. Also called: CHARCOT-MARIE-TOOTH NEUROPATHY, TYPE 2P; CHARCOT-MARIE-TOOTH DISEASE, AXONAL, TYPE 2G; CMT 2G; Charcot-Marie-Tooth Neuropathy Type 2G. Identifiers: Orphanet 300319, Orphanet 99941, MedGen C3280797, MONDO:0013753, OMIM 614436.

Submission:

Labcorp Genetics (formerly Invitae), Labcorp
Classification: Likely pathogenic for Charcot-Marie-Tooth disease axonal type 2P. Last evaluated: 2025-06-06. Review status: criteria provided, single submitter. Criteria: Invitae Variant Classification Sherloc (09022015). Collection method: clinical testing. Allele origin: germline.
Comment: This sequence change creates a premature translational stop signal (p.Gln711*) in the LRSAM1 gene. While this is not anticipated to result in nonsense mediated decay, it is expected to disrupt the last 13 amino acid(s) of the LRSAM1 protein. This variant is not present in population databases (gnomAD no frequency). This variant has not been reported in the literature in individuals affected with LRSAM1-related conditions. ClinVar contains an entry for this variant (Variation ID: 2840223). This protein change is located in a region of the LRSAM1 protein where a significant number of LRSAM1 nonsense and frameshift mutations have been reported in autosomal dominant Charcot-Marie-Tooth disease (PMID: 33414056, 31211173, 29341362). In summary, the currently available evidence indicates that the variant is pathogenic, but additional data are needed to prove that conclusively. Therefore, this variant has been classified as Likely Pathogenic.

Literature cited by the submitters: PubMed 33414056; PubMed 31211173; PubMed 29341362.